The following is an entry in ClinVar:

ClinVar aggregate classification (germline): Uncertain significance (1 of 4 stars; one submission).

Conditions:
Primary ciliary dyskinesia. Also called: Ciliary dyskinesia. Identifiers: Orphanet 244, MedGen C0008780, MONDO:0016575, HP:0012265.

Submission:

Labcorp Genetics (formerly Invitae), Labcorp
Classification: Uncertain significance for Primary ciliary dyskinesia. Last evaluated: 2022-06-13. Review status: criteria provided, single submitter. Criteria: Invitae Variant Classification Sherloc (09022015). Collection method: clinical testing. Allele origin: germline.
Comment: Algorithms developed to predict the effect of missense changes on protein structure and function are either unavailable or do not agree on the potential impact of this missense change (SIFT: "Deleterious"; PolyPhen-2: "Not Available"; Align-GVGD: "Class C0"). This variant has not been reported in the literature in individuals affected with DNAH8-related conditions. This variant is not present in population databases (gnomAD no frequency). This sequence change replaces threonine, which is neutral and polar, with serine, which is neutral and polar, at codon 441 of the DNAH8 protein (p.Thr441Ser). In summary, the available evidence is currently insufficient to determine the role of this variant in disease. Therefore, it has been classified as a Variant of Uncertain Significance.

NM_001206927.2(DNAH8):c.1322C>G (p.Thr441Ser)

Gene: DNAH8 (dynein axonemal heavy chain 8; plus strand). Cytogenetic location: 6p21.2.
Variant type: single nucleotide variant.
Coding change: c.1322C>G on transcript NM_001206927.2 (MANE Select); coding-DNA position 1322, C replaced by G.
Protein change: p.Thr441Ser; replaces threonine 441 with serine.
Molecular consequence: missense variant.
Genome position (GRCh38, 1-based): chr6:38,750,504, C>G. VCF-style: chr6-38750504-C-G. GRCh37 (hg19) VCF-style: chr6-38718280-C-G.
Other names: c.671C>G, p.Thr224Ser (NM_001371.4); short protein forms T441S, T224S.
Identifiers: ClinVar variation 1445931 (VCV001445931.8), dbSNP rs2127595057, ClinGen allele CA363985412.